The following is an entry in ClinVar:

ClinVar aggregate classification (germline): Uncertain significance (1 of 4 stars; one submission).

gnomAD v4.1: 2 of 1,613,602 alleles (0.00012%); highest among the groups gnomAD compares: Non-Finnish European, 0.00017%; no homozygotes.

Submission:

GeneDx
Classification: Uncertain significance. Last evaluated: 2024-11-07. Review status: criteria provided, single submitter. Criteria: GeneDx Variant Classification Process June 2021. Collection method: clinical testing. Allele origin: germline. Affected: yes.
Comment: Not observed at significant frequency in large population cohorts (gnomAD); In silico analysis supports that this missense variant has a deleterious effect on protein structure/function; Has not been previously published as pathogenic or benign to our knowledge

NM_004519.4(KCNQ3):c.1495G>A (p.Asp499Asn)

Gene: KCNQ3 (potassium voltage-gated channel subfamily Q member 3; minus strand). Cytogenetic location: 8q24.22.
Variant type: single nucleotide variant.
Coding change: c.1495G>A on transcript NM_004519.4 (MANE Select); coding-DNA position 1495, G replaced by A.
Protein change: p.Asp499Asn; replaces aspartic acid 499 with asparagine.
Molecular consequence: missense variant.
Genome position (GRCh38, 1-based): chr8:132,140,149, C>T on the plus strand (G>A on the coding strand, the complement: KCNQ3 is on the minus strand). VCF-style: chr8-132140149-C-T. GRCh37 (hg19) VCF-style: chr8-133152396-C-T.
Other names: c.1135G>A, p.Asp379Asn (NM_001204824.2); short protein forms D379N, D499N.
Identifiers: ClinVar variation 3899209 (VCV003899209.1).